The following is an entry in ClinVar:

NM_000717.5(CA4):c.400C>A (p.His134Asn)

Gene: CA4 (carbonic anhydrase 4; plus strand). Cytogenetic location: 17q23.1.
Variant type: single nucleotide variant.
Coding change: c.400C>A on transcript NM_000717.5 (MANE Select); coding-DNA position 400, C replaced by A.
Protein change: p.His134Asn; replaces histidine 134 with asparagine.
Molecular consequence: missense variant. On other transcripts: non-coding transcript variant (1).
Genome position (GRCh38, 1-based): chr17:60,157,558, C>A. VCF-style: chr17-60157558-C-A. GRCh37 (hg19) VCF-style: chr17-58234919-C-A.
Other names: short protein forms H134N.
Identifiers: ClinVar variation 2809287 (VCV002809287.3), dbSNP rs2083711245, ClinGen allele CA400455376.

ClinVar aggregate classification (germline): Uncertain significance (1 of 4 stars; one submission).

Submission:

Labcorp Genetics (formerly Invitae), Labcorp
Classification: Uncertain significance. Last evaluated: 2024-11-05. Review status: criteria provided, single submitter. Criteria: Invitae Variant Classification Sherloc (09022015). Collection method: clinical testing. Allele origin: germline.
Comment: This sequence change replaces histidine, which is basic and polar, with asparagine, which is neutral and polar, at codon 134 of the CA4 protein (p.His134Asn). This variant is not present in population databases (gnomAD no frequency). This variant has not been reported in the literature in individuals affected with CA4-related conditions. ClinVar contains an entry for this variant (Variation ID: 2809287). Invitae Evidence Modeling of protein sequence and biophysical properties (such as structural, functional, and spatial information, amino acid conservation, physicochemical variation, residue mobility, and thermodynamic stability) indicates that this missense variant is not expected to disrupt CA4 protein function with a negative predictive value of 80%. In summary, the available evidence is currently insufficient to determine the role of this variant in disease. Therefore, it has been classified as a Variant of Uncertain Significance.